The following is an entry in ClinVar:

ClinVar aggregate classification (germline): Uncertain significance (1 of 4 stars; one submission).

gnomAD v4.1: 1 of 1,609,744 alleles (0.000062%); highest among the groups gnomAD compares: Non-Finnish European, 0.000085%; no homozygotes.

Submission:

GeneDx
Classification: Uncertain significance. Last evaluated: 2026-02-20. Review status: criteria provided, single submitter. Criteria: GeneDx Variant Classification Process June 2021. Collection method: clinical testing. Allele origin: germline.
Comment: Not observed at significant frequency in large population cohorts (gnomAD); In silico analysis suggests that this missense variant does not alter protein structure/function; Has not been previously published as pathogenic or benign to our knowledge

NM_001366521.1(ATP2B1):c.2338A>G (p.Ile780Val)

Gene: ATP2B1 (ATPase plasma membrane Ca2+ transporting 1; minus strand). Cytogenetic location: 12q21.33.
Variant type: single nucleotide variant.
Coding change: c.2338A>G on transcript NM_001366521.1 (MANE Select); coding-DNA position 2338, A replaced by G.
Protein change: p.Ile780Val; replaces isoleucine 780 with valine.
Molecular consequence: missense variant. On other transcripts: non-coding transcript variant (3).
Genome position (GRCh38, 1-based): chr12:89,610,041, T>C on the plus strand (A>G on the coding strand, the complement: ATP2B1 is on the minus strand). VCF-style: chr12-89610041-T-C. GRCh37 (hg19) VCF-style: chr12-90003818-T-C.
Other names: c.2338A>G, p.Ile780Val (NM_001001323.2, NM_001366520.1, NM_001366522.1 and 12 more transcripts); c.2140A>G, p.Ile714Val (NM_001366530.1, NM_001413053.1); c.1777A>G, p.Ile593Val (NM_001366531.1, NM_001366532.1, NM_001413058.1 and 2 more transcripts); c.2299A>G, p.Ile767Val (NM_001413048.1); c.2197A>G, p.Ile733Val (NM_001413051.1, NM_001413052.1, NM_001413055.1); c.2095A>G, p.Ile699Val (NM_001413054.1); c.2083A>G, p.Ile695Val (NM_001413056.1); c.1885A>G, p.Ile629Val (NM_001413057.1); short protein forms I593V, I629V, I695V, I699V, I714V, I733V, I767V, I780V.
Identifiers: ClinVar variation 3364859 (VCV003364859.2).
Genomic context (GRCh38, chr12:89,610,041, plus strand): 5'-TTGTACCATCACCAGTTACAGCTACAACCTGGCGTTGGTCTGAGACAGTGCTGTCAATTA[T>C]ACCTTAAATACAAGCAAATATTTGTGTTATAAAAACATTACTCTTTAATAAGATGATTCT-3'
Protein context (NP_001353450.1, residues 770-790): PTDKHTLVKG[Ile780Val]IDSTVSDQRQ